The following is an entry in ClinVar:

NM_012330.4(KAT6B):c.1697C>T (p.Ala566Val)

Gene: KAT6B (lysine acetyltransferase 6B; plus strand). Cytogenetic location: 10q22.2.
Variant type: single nucleotide variant.
Coding change: c.1697C>T on transcript NM_012330.4 (MANE Select); coding-DNA position 1697, C replaced by T.
Protein change: p.Ala566Val; replaces alanine 566 with valine.
Molecular consequence: missense variant. On other transcripts: intron variant (13).
Genome position (GRCh38, 1-based): chr10:74,976,034, C>T. VCF-style: chr10-74976034-C-T. GRCh37 (hg19) VCF-style: chr10-76735792-C-T.
Other names: c.1697C>T, p.Ala566Val (NM_001370136.1, NM_001370137.1); c.1117+580C>T (NM_001370139.1, NM_001370140.1, NM_001370141.1 and 3 more transcripts); c.1444+253C>T (NM_001370138.1, NM_001256468.2); c.846+6259C>T (NM_001370133.1); c.193-3190C>T (NM_001370134.1); c.929-1282C>T (NM_001370143.1, NM_001370144.1); c.193-12985C>T (NM_001370135.1); short protein forms A566V.
Identifiers: ClinVar variation 2080002 (VCV002080002.4), dbSNP rs144497246, ClinGen allele CA5564458.

ClinVar aggregate classification (germline): Uncertain significance (1 of 4 stars; one submission).

Conditions:
Genitopatellar syndrome (GTPTS). Also called: Genitopatellar syndrome (GPS); ABSENT PATELLAE, SCROTAL HYPOPLASIA, RENAL ANOMALIES, FACIAL DYSMORPHISM, AND MENTAL RETARDATION. Identifiers: Orphanet 85201, MedGen C1853566, MONDO:0011640, OMIM 606170.

Allele frequency attached by ClinVar (database versions not stated): gnomAD 0.00001; TOPMed 0.00001; gnomAD exomes 0.00002; ESP Exome Variant Server 0.00015; ExAC 0.00001.
gnomAD v4.1: 32 of 1,614,062 alleles (0.002%); highest among the groups gnomAD compares: Non-Finnish European, 0.0027%; no homozygotes.

Submission:

Labcorp Genetics (formerly Invitae), Labcorp
Classification: Uncertain significance for Genitopatellar syndrome. Last evaluated: 2022-09-06. Review status: criteria provided, single submitter. Criteria: Invitae Variant Classification Sherloc (09022015). Collection method: clinical testing. Allele origin: germline.
Comment: This sequence change replaces alanine, which is neutral and non-polar, with valine, which is neutral and non-polar, at codon 566 of the KAT6B protein (p.Ala566Val). This variant is present in population databases (rs144497246, gnomAD 0.003%). This variant has not been reported in the literature in individuals affected with KAT6B-related conditions. Algorithms developed to predict the effect of missense changes on protein structure and function (SIFT, PolyPhen-2, Align-GVGD) all suggest that this variant is likely to be tolerated. In summary, the available evidence is currently insufficient to determine the role of this variant in disease. Therefore, it has been classified as a Variant of Uncertain Significance.